The following is an entry in ClinVar:

ClinVar aggregate classification (germline): Uncertain significance (1 of 4 stars; one submission).

Allele frequency attached by ClinVar (database versions not stated): gnomAD 0.00003; ESP Exome Variant Server 0.00008.
gnomAD v4.1: 81 of 1,613,982 alleles (0.005%); highest among the groups gnomAD compares: Middle Eastern, 0.016%; no homozygotes.

Submission:

Labcorp Genetics (formerly Invitae), Labcorp
Classification: Uncertain significance. Last evaluated: 2025-12-06. Review status: criteria provided, single submitter. Criteria: Invitae Variant Classification Sherloc (09022015). Collection method: clinical testing. Allele origin: germline.
Comment: This sequence change affects codon 671 of the TNNI3K mRNA. It is a 'silent' change, meaning that it does not change the encoded amino acid sequence of the TNNI3K protein. This variant is present in population databases (rs145840620, gnomAD 0.005%). This variant has not been reported in the literature in individuals affected with TNNI3K-related conditions. ClinVar contains an entry for this variant (Variation ID: 1428069). Algorithms developed to predict the effect of sequence changes on RNA splicing suggest that this variant may create or strengthen a splice site. In summary, the available evidence is currently insufficient to determine the role of this variant in disease. Therefore, it has been classified as a Variant of Uncertain Significance.

NM_015978.3(TNNI3K):c.2013G>A (p.Ala671=)

Genes: FPGT-TNNI3K (FPGT-TNNI3K readthrough; plus strand), TNNI3K (TNNI3 interacting kinase; plus strand). Cytogenetic location: 1p31.1.
Variant type: single nucleotide variant.
Coding change: c.2013G>A on transcript NM_015978.3 (MANE Select); coding-DNA position 2013, G replaced by A.
Protein change: p.Ala671=; no amino-acid change (alanine 671 retained).
Molecular consequence: synonymous variant.
Genome position (GRCh38, 1-based): chr1:74,463,442, G>A. VCF-style: chr1-74463442-G-A. GRCh37 (hg19) VCF-style: chr1-74929126-G-A.
Other names: c.2316G>A, p.Ala772= (NM_001112808.3, NM_001199327.2).
Identifiers: ClinVar variation 1428069 (VCV001428069.9), dbSNP rs145840620, ClinGen allele CA909564.